The following is an entry in ClinVar:

ClinVar aggregate classification (germline): Benign. Review status: criteria provided, multiple submitters, no conflicts (2 of 4 stars). 3 submissions from 3 submitters: Benign (3). Last evaluated 2026-01-08.

Allele frequency attached by ClinVar (database versions not stated): gnomAD exomes 0.00189 and 0.00541; ExAC 0.00515; gnomAD 0.01813 and 0.01950; 1000 Genomes Project 0.01854; 1000 Genomes Project 30x 0.01894; TOPMed 0.02099; ESP Exome Variant Server 0.02102.
gnomAD v4.1: 4,189 of 1,209,902 alleles (0.35%); highest among the groups gnomAD compares: African/African-American, 6.4%; 99 homozygotes.

Submissions (3):

Labcorp Genetics (formerly Invitae), Labcorp
Classification: Benign. Last evaluated: 2026-01-08. Review status: criteria provided, single submitter. Criteria: Invitae Variant Classification Sherloc (09022015). Collection method: clinical testing. Allele origin: germline.

GeneDx
Classification: Benign. Last evaluated: 2020-02-18. Review status: criteria provided, single submitter. Criteria: GeneDx Variant Classification Process June 2021. Collection method: clinical testing. Allele origin: germline. Affected: yes.
Comment: This variant is associated with the following publications: (PMID: 31555317)

Breakthrough Genomics
Classification: Benign. Review status: criteria provided, single submitter. Criteria: ACMG Guidelines, 2015. Collection method: not provided. Allele origin: germline. Inheritance: X-linked inheritance. Affected: yes.

NM_005491.5(MAMLD1):c.1041C>A (p.His347Gln)

Gene: MAMLD1 (mastermind like domain containing 1; plus strand). Cytogenetic location: Xq28.
Variant type: single nucleotide variant.
Coding change: c.1041C>A on transcript NM_005491.5 (MANE Select); coding-DNA position 1041, C replaced by A.
Protein change: p.His347Gln; replaces histidine 347 with glutamine.
Molecular consequence: missense variant.
Genome position (GRCh38, 1-based): chrX:150,470,614, C>A. VCF-style: chrX-150470614-C-A. GRCh37 (hg19) VCF-style: chrX-149638886-C-A.
Other names: c.966C>A, p.His322Gln (NM_001177465.3, NM_001177466.3, NM_001400514.1); c.1041C>A, p.His347Gln (NM_001400512.1, NM_001400513.1, NM_001400515.1); c.1041C>A (NM_005491.3); short protein forms H347Q, H322Q.
Identifiers: ClinVar variation 712305 (VCV000712305.12), dbSNP rs62641609, ClinGen allele CA10538737.